The following is an entry in ClinVar:

ClinVar aggregate classification (germline): Conflicting classifications of pathogenicity; association; risk factor. Review status: criteria provided, conflicting classifications (1 of 4 stars). 28 submissions from 27 submitters: Pathogenic (12); Likely pathogenic (2); Established risk allele (1); Uncertain significance (4); Likely benign (1). 6 of the submissions do not count toward it. Last evaluated 2026-08-01.

Conditions:
Pancreatitis. Identifiers: MedGen C0030305, MONDO:0004982, HP:0001733.
Tropical pancreatitis. Identifiers: Orphanet 103918, MedGen C1842402, MONDO:0011986, OMIM 608189.
Hereditary pancreatitis (PCTT). Also called: Hereditary chronic pancreatitis; PRSS1-Related Hereditary Pancreatitis. Identifiers: Orphanet 676, MedGen C0238339, MONDO:0008185, OMIM 167800.
Pancreatitis, chronic, susceptibility to. Identifiers: MedGen C1969419.
Finnish congenital nephrotic syndrome (NPHS1). Also called: NEPHROTIC SYNDROME, TYPE 1. Identifiers: Orphanet 839, MedGen C0403399, MONDO:0009732, OMIM 256300.

Allele frequency attached by ClinVar (database versions not stated): 1000 Genomes Project 30x 0.00625; 1000 Genomes Project 0.00639; gnomAD exomes 0.00906 and 0.01133; TOPMed 0.00661; gnomAD 0.00797 and 0.00825; ExAC 0.00987.
gnomAD v4.1: 17,811 of 1,612,638 alleles (1.1%); highest among the groups gnomAD compares: South Asian, 2.1%; 131 homozygotes.

Submissions 1 to 7 of 28:

CeGaT Center for Human Genetics Tuebingen
Classification: Pathogenic. Last evaluated: 2026-08-01. Review status: criteria provided, single submitter. Criteria: CeGaT Center For Human Genetics Tuebingen Variant Classification Criteria Version 2. Collection method: clinical testing. Allele origin: germline. Affected: yes. Observed: 15 variant alleles.
Comment: SPINK1: PM3:Very Strong, PP1:Strong, PM2:Supporting, PS3:Supporting

Labcorp Genetics (formerly Invitae), Labcorp
Classification: association for Hereditary pancreatitis. Last evaluated: 2026-02-02. Review status: criteria provided, single submitter. Criteria: Invitae Variant Classification Sherloc (09022015). Collection method: clinical testing. Allele origin: germline.
Comment: This sequence change replaces asparagine, which is neutral and polar, with serine, which is neutral and polar, at codon 34 of the SPINK1 protein (p.Asn34Ser). This variant is present in population databases (rs17107315, gnomAD 2.0%), and has an allele count higher than expected for a pathogenic variant. This variant is reported as heterozygous in approximately 12% of individuals affected with chronic pancreatitis and in approximately 1.9% of unaffected controls (PMID: 17466744). Based on this data, this variant is expected to confer an approximate 6-12 fold increased risk for chronic pancreatitis in heterozygous carriers. Homozygous individuals have been reported in approximately 3-5% of individuals with chronic pancreatitis (PMID: 23951356, 10835640), approximately 0.015% of the general population (ExAC), and in no unaffected controls to date (reviewed in PMID: 17466744). Although homozygous individuals are presumed to have at least twice the risk of heterozygous carriers, an accurate odds ratio can not be calculated due to the small number of homozygous individuals in the general population. ClinVar contains an entry for this variant (Variation ID: 13760). An algorithm developed to predict the effect of missense changes on protein structure and function (PolyPhen-2) suggests that this variant is likely to be tolerated. Multiple studies have failed to demonstrate that this Asn34Ser missense change disrupts any known function of the SPINK1 protein (PMID: 12483248, 17568390, 17525091). In summary, this variant is a missense change that does not affect any known function of the SPINK1 protein function. While this variant is associated with a significant risk for developing chronic pancreatitis, in the absence of a deleterious protein effect it remains uncertain whether this variant directly contributes to disease or if it may be linked to an undiscovered mutation (PMID: 19299380). Therefore, it has been classified as an Increased Risk Allele.

Genesolutions, Medical Genetics Institutes, Ho Chi Minh City, Vietnam
Classification: Uncertain significance for Hereditary pancreatitis. Last evaluated: 2025-09-24. Review status: criteria provided, single submitter. Criteria: ACMG Guidelines, 2015. Collection method: clinical testing. Allele origin: germline. Affected: yes.

ARUP Laboratories, Molecular Genetics and Genomics, ARUP Laboratories
Classification: Pathogenic. Last evaluated: 2025-07-22. Review status: criteria provided, single submitter. Criteria: ARUP Molecular Germline Variant Investigation Process 2024. Collection method: clinical testing. Allele origin: germline.
Comment: The SPINK1 c.101A>G; p.Asn34Ser variant (rs17107315) has been detected at a statistically significant increased frequency in individuals with pancreatitis as compared to the general population (Aoun 2010, Masson 2013, Rosendahl 2013), co-segregating with pancreatitis patients in multiple families (Wu 2022). This variant and its associated haplotype is a risk factor for developing pancreatitis when combined with an additional pathogenic SPINK1 variant on the opposite chromosome, a severe pathogenic CFTR gene variant, or a pathogenic CTRC gene variant (Boulling 2017, Rosendahl 2013, Zou 2018). The p.Asn34Ser variant is reported in ClinVar (Variation ID: 13760). This variant is found in the general population with an overall allele frequency of 0.9% (2537/281004 alleles, 23 homozygotes) in the Genome Aggregation Database. The asparagine at codon 34 is moderately conserved, and computational analyses are uncertain whether this variant is neutral or deleterious (REVEL: 0.199). Based on this variant's strong association with pancreatitis, we consider it pathogenic. References: Aoun E et al. SPINK1 N34S is strongly associated with recurrent acute pancreatitis but is not a risk factor for the first or sentinel acute pancreatitis event. Am J Gastroenterol. 2010 105(2):446-51. PMID: 19888199. Boulling A et al. Identification of a functional enhancer variant within the chronic pancreatitis-associated SPINK1 c.101A>G (p.Asn34Ser)-containing haplotype. Hum Mutat. 2017 Aug;38(8):1014-1024. PMID: 28556356. Masson E et al. A conservative assessment of the major genetic causes of idiopathic chronic pancreatitis: data from a comprehensive analysis of PRSS1, SPINK1, CTRC and CFTR genes in 253 young French patients. PLoS One. 2013 8(8):e73522. PMID: 23951356. Rosendahl J et al. CFTR, SPINK1, CTRC and PRSS1 variants in chronic pancreatitis: is the role of mutated CFTR overestimated? Gut. 2013 62(4):582-92. PMID: 22427236. Wu D et al. The clinical and genetic features of hereditary pancreatitis in South Australia. Med J Aust. 2022 Jun 20;216(11):578-582. PMID: 35578795. Zou WB et al. SPINK1, PRSS1, CTRC, and CFTR Genotypes Influence Disease Onset and Clinical Outcomes in Chronic Pancreatitis. Clin Transl Gastroenterol. 2018 Nov 12;9(11):204. PMID: 30420730.

Genetics and Genomic Medicine Centre, NeuroGen Healthcare, NeuroGen Healthcare
Classification: Pathogenic for Hereditary pancreatitis. Last evaluated: 2025-03-23. Review status: criteria provided, single submitter. Criteria: ACMG Guidelines, 2015. Collection method: clinical testing. Allele origin: unknown. Affected: yes.

Ambry Genetics
Classification: Pathogenic for Hereditary pancreatitis. Last evaluated: 2025-02-11. Review status: criteria provided, single submitter. Criteria: Ambry Variant Classification Scheme 2023. Collection method: clinical testing. Allele origin: germline.
Comment: The p.N34S pathogenic mutation (also known as c.101A>G), located in coding exon 3 of the SPINK1 gene, results from an A to G substitution at nucleotide position 101. The asparagine at codon 34 is replaced by serine, an amino acid with highly similar properties. This mutation has been observed in heterozygous and homozygous states in individuals with chronic pancreatitis (Witt H et al. Nat Genet. 2000;25(2):213-216). In case control studies, p.N34S has has been associated with a significant odds ratio for both acute pancreatitis and chronic pancreatitis (O'Reilly DA et al. Eur J Gastroenterol Hepatol, 2008 Aug;20:726-31; Rosendahl J et al. Gut, 2013 Apr;62:582-92). Heterozygous p.N34S confers an increased risk, while homozygous p.N34S is considered to be disease-causing (Masson E et al. PLoS One. 2013;8(8):e73522). Based on the supporting evidence, this alteration is interpreted as a pathogenic mutation.

3billion
Classification: Pathogenic for Tropical pancreatitis. Last evaluated: 2023-09-27. Review status: criteria provided, single submitter. Criteria: ACMG Guidelines, 2015. Collection method: clinical testing. Allele origin: germline. Affected: yes.
Comment: It is observed in the gnomAD v2.1.1 dataset at total allele frequency of 0.903%. Predicted Consequence/Location: Missense variant In silico tool predictions suggest no damaging effect of the variant on gene or gene product [REVEL: 0.20 (<0.4); 3Cnet: 0.08 (<0.15, specificity 0.78 and negative predicitive value 0.92)]. Same nucleotide change resulting in same amino acid change has been previously reported as pathogenic/likely pathogenic with strong evidence (ClinVar ID: VCV000013760 /PMID: 10835640 /3billion dataset). The variant has been observed in multiple (>3) similarly affected unrelated individuals (PMID: 22427236). The variant has been reported to co-segregate with the disease in at least 5 similarly affected relatives/individuals in the same family or similarly affected unrelated family (PMID: 11950815, 12187509). Therefore, this variant is classified as Pathogenic according to the recommendation of ACMG/AMP guideline.

NM_001379610.1(SPINK1):c.101A>G (p.Asn34Ser)

Gene: SPINK1 (serine peptidase inhibitor Kazal type 1; minus strand). Cytogenetic location: 5q32.
Variant type: single nucleotide variant.
Coding change: c.101A>G on transcript NM_001379610.1 (MANE Select); coding-DNA position 101, A replaced by G.
Protein change: p.Asn34Ser; replaces asparagine 34 with serine.
Molecular consequence: missense variant.
Genome position (GRCh38, 1-based): chr5:147,828,115, T>C on the plus strand (A>G on the coding strand, the complement: SPINK1 is on the minus strand). VCF-style: chr5-147828115-T-C. GRCh37 (hg19) VCF-style: chr5-147207678-T-C.
Other names: c.101A>G (NM_001354966.1); c.101A>G, p.Asn34Ser (NM_001354966.2, NM_003122.5); short protein forms N34S.
Identifiers: ClinVar variation 13760 (VCV000013760.103), dbSNP rs17107315, ClinGen allele CA123440.
Genomic context (GRCh38, chr5:147,828,115, plus strand): 5'-TAAGTATTTCCATCAGTCCCACAGACAGGGTCATATATCTTGGTGCATCCATTAAGTTCA[T>C]TGTAACATTTGGCCTAAAAATGGAATTAAACAGAATCATTTCCCATTATTCTCCATTCTT-3'
Protein context (NP_001366539.1, residues 24-44): DSLGREAKCY[Asn34Ser]ELNGCTKIYD